The following is an entry in ClinVar:

ClinVar aggregate classification (germline): Pathogenic (1 of 4 stars; one submission).

Submission:

GeneDx
Classification: Pathogenic. Last evaluated: 2025-07-16. Review status: criteria provided, single submitter. Criteria: GeneDx Variant Classification Process June 2021. Collection method: clinical testing. Allele origin: germline. Affected: yes.
Comment: Frameshift variant predicted to result in protein truncation or nonsense mediated decay in a gene for which loss of function is a known mechanism of disease; Not observed at significant frequency in large population cohorts (gnomAD); This variant is associated with the following publications: (PMID: 28808027, 37086723)

NM_017635.5(KMT5B):c.290del (p.Thr97fs)

Gene: KMT5B (lysine methyltransferase 5B; minus strand). Cytogenetic location: 11q13.2.
Variant type: Deletion.
Coding change: c.290del on transcript NM_017635.5 (MANE Select); coding-DNA position 290, one base deleted (C; older notation c.290delC).
Protein change: p.Thr97fs; shifts the reading frame from threonine 97.
Molecular consequence: frameshift variant. On other transcripts: 5 prime UTR variant (8), non-coding transcript variant (3), intron variant (1).
Genome position (GRCh38, 1-based): chr11:68,185,799, G deleted on the plus strand (C on the coding strand, the reverse complement: KMT5B is on the minus strand). VCF-style (leftmost placement, unchanged base first): chr11-68185798-TG-T. GRCh37 (hg19) VCF-style: chr11-67953265-TG-T.
Other names: c.-374del (NM_001369431.1, NM_001369432.1, NM_001369424.1); c.-889del (NM_001369433.1); c.290del, p.Thr97fs (NM_016028.4, NM_001300909.2, NM_001363566.2 and 2 more transcripts); c.-209+4118del (NM_001369429.1); c.-295del (NM_001300907.1); c.-378del (NM_001300908.2); c.77del, p.Thr26fs (NM_001369425.1); c.-588del (NM_001369428.1); and 1 more; short protein forms T26fs, T97fs.
Identifiers: ClinVar variation 4686118 (VCV004686118.1).